The following is an entry in ClinVar:

NM_022124.6(CDH23):c.9078-2A>G

Gene: CDH23 (cadherin related 23; plus strand). Cytogenetic location: 10q22.1.
Variant type: single nucleotide variant.
Coding change: c.9078-2A>G on transcript NM_022124.6 (MANE Select); the canonical splice acceptor site of the intron before coding-DNA position 9078, A replaced by G.
Molecular consequence: splice acceptor variant.
Genome position (GRCh38, 1-based): chr10:71,811,313, A>G. VCF-style: chr10-71811313-A-G. GRCh37 (hg19) VCF-style: chr10-73571070-A-G.
Other names: c.2358-2A>G (NM_001171933.1, NM_001171934.1).
Identifiers: ClinVar variation 2848206 (VCV002848206.4), dbSNP rs2494451258, ClinGen allele CA377134262.

ClinVar aggregate classification (germline): Likely pathogenic. Review status: criteria provided, multiple submitters, no conflicts (2 of 4 stars). 2 submissions from 2 submitters: Likely pathogenic (2). Last evaluated 2023-11-22.

Conditions:
Pituitary adenoma 5, multiple types. Identifiers: MedGen C4539685, MONDO:0054601, OMIM 617540.

Allele frequency attached by ClinVar (database versions not stated): gnomAD exomes below 0.00001.
gnomAD v4.1: 1 of 1,613,796 alleles (0.000062%); highest among the groups gnomAD compares: Non-Finnish European, 0.000085%; no homozygotes.

Submissions (2):

Baylor Genetics
Classification: Likely pathogenic for Pituitary adenoma 5, multiple types. Last evaluated: 2023-11-22. Review status: criteria provided, single submitter. Criteria: ACMG Guidelines, 2015. Collection method: clinical testing. Allele origin: unknown.

Labcorp Genetics (formerly Invitae), Labcorp
Classification: Likely pathogenic. Last evaluated: 2023-03-21. Review status: criteria provided, single submitter. Criteria: Invitae Variant Classification Sherloc (09022015). Collection method: clinical testing. Allele origin: germline.
Comment: In summary, the currently available evidence indicates that the variant is pathogenic, but additional data are needed to prove that conclusively. Therefore, this variant has been classified as Likely Pathogenic. Algorithms developed to predict the effect of sequence changes on RNA splicing suggest that this variant may disrupt the consensus splice site. This variant has not been reported in the literature in individuals affected with CDH23-related conditions. This variant is not present in population databases (gnomAD no frequency). This sequence change affects an acceptor splice site in intron 62 of the CDH23 gene. It is expected to disrupt RNA splicing. Variants that disrupt the donor or acceptor splice site typically lead to a loss of protein function (PMID: 16199547), and loss-of-function variants in CDH23 are known to be pathogenic (PMID: 11138009, 21940737).

Literature cited by the submitters: PubMed 16199547 (cited by Labcorp Genetics (formerly Invitae), Labcorp); PubMed 11138009 (cited by Labcorp Genetics (formerly Invitae), Labcorp); PubMed 21940737 (cited by Labcorp Genetics (formerly Invitae), Labcorp).